The following is an entry in ClinVar:

ClinVar aggregate classification (germline): Uncertain significance. Review status: criteria provided, multiple submitters, no conflicts (2 of 4 stars). 2 submissions from 2 submitters: Uncertain significance (2). Last evaluated 2025-08-13.

Allele frequency attached by ClinVar (database versions not stated): TOPMed 0.00002; gnomAD 0.00001; gnomAD exomes 0.00001.
gnomAD v4.1: 12 of 1,612,726 alleles (0.00074%); highest among the groups gnomAD compares: Non-Finnish European, 0.00093%; no homozygotes.

Submissions (2):

GeneDx
Classification: Uncertain significance. Last evaluated: 2025-08-13. Review status: criteria provided, single submitter. Criteria: GeneDx Variant Classification Process June 2021. Collection method: clinical testing. Allele origin: germline. Affected: yes.
Comment: Not observed at significant frequency in large population cohorts (gnomAD); In silico analysis supports that this missense variant has a deleterious effect on protein structure/function; Has not been previously published as pathogenic or benign to our knowledge

Revvity Omics, Revvity
Classification: Uncertain significance. Last evaluated: 2025-06-10. Review status: criteria provided, single submitter. Criteria: ACMG Guidelines, 2015. Collection method: clinical testing. Allele origin: germline.

NM_000426.4(LAMA2):c.6500A>G (p.Tyr2167Cys)

Gene: LAMA2 (laminin subunit alpha 2; plus strand). Cytogenetic location: 6q22.33.
Variant type: single nucleotide variant.
Coding change: c.6500A>G on transcript NM_000426.4 (MANE Select); coding-DNA position 6500, A replaced by G.
Protein change: p.Tyr2167Cys; replaces tyrosine 2167 with cysteine.
Molecular consequence: missense variant.
Genome position (GRCh38, 1-based): chr6:129,453,058, A>G. VCF-style: chr6-129453058-A-G. GRCh37 (hg19) VCF-style: chr6-129774203-A-G.
Other names: c.6500A>G, p.Tyr2167Cys (NM_001079823.2); short protein forms Y2167C.
Identifiers: ClinVar variation 1304052 (VCV001304052.4), dbSNP rs1042387625, ClinGen allele CA146883519.